The following is an entry in ClinVar:

ClinVar aggregate classification (germline): Uncertain significance (1 of 4 stars; one submission).

Conditions:
Familial focal epilepsy with variable foci (FPEVF). Identifiers: Orphanet 98820, MedGen C1858477, MONDO:0020310.

Allele frequency attached by ClinVar (database versions not stated): gnomAD exomes below 0.00001.
gnomAD v4.1: 1 of 1,613,718 alleles (0.000062%); highest among the groups gnomAD compares: African/African-American, 0.0013%; no homozygotes.

Submission:

Labcorp Genetics (formerly Invitae), Labcorp
Classification: Uncertain significance for Familial focal epilepsy with variable foci. Last evaluated: 2024-06-21. Review status: criteria provided, single submitter. Criteria: Invitae Variant Classification Sherloc (09022015). Collection method: clinical testing. Allele origin: germline.
Comment: This sequence change replaces leucine, which is neutral and non-polar, with valine, which is neutral and non-polar, at codon 287 of the DEPDC5 protein (p.Leu287Val). This variant is not present in population databases (gnomAD no frequency). This variant has not been reported in the literature in individuals affected with DEPDC5-related conditions. Experimental studies and prediction algorithms are not available or were not evaluated, and the functional significance of this variant is currently unknown. In summary, the available evidence is currently insufficient to determine the role of this variant in disease. Therefore, it has been classified as a Variant of Uncertain Significance.

NM_001242896.3(DEPDC5):c.859C>G (p.Leu287Val)

Gene: DEPDC5 (DEP domain containing 5, GATOR1 subcomplex subunit; plus strand). Cytogenetic location: 22q12.2.
Variant type: single nucleotide variant.
Coding change: c.859C>G on transcript NM_001242896.3 (MANE Select); coding-DNA position 859, C replaced by G.
Protein change: p.Leu287Val; replaces leucine 287 with valine.
Molecular consequence: missense variant. On other transcripts: non-coding transcript variant (5).
Genome position (GRCh38, 1-based): chr22:31,797,691, C>G. VCF-style: chr22-31797691-C-G. GRCh37 (hg19) VCF-style: chr22-32193677-C-G.
Other names: c.859C>G, p.Leu287Val (NM_001007188.4, NM_001136029.4, NM_001364318.2 and 7 more transcripts); c.775C>G, p.Leu259Val (NM_001369901.1, NM_001369902.1); short protein forms L287V, L259V.
Identifiers: ClinVar variation 2858631 (VCV002858631.3), dbSNP rs2518738026, ClinGen allele CA411290700.